The following is an entry in ClinVar:

NM_001197104.2(KMT2A):c.3377C>T (p.Ala1126Val)

Gene: KMT2A (lysine methyltransferase 2A; plus strand). Cytogenetic location: 11q23.3.
Variant type: single nucleotide variant.
Coding change: c.3377C>T on transcript NM_001197104.2 (MANE Select); coding-DNA position 3377, C replaced by T.
Protein change: p.Ala1126Val; replaces alanine 1126 with valine.
Molecular consequence: missense variant.
Genome position (GRCh38, 1-based): chr11:118,478,009, C>T. VCF-style: chr11-118478009-C-T. GRCh37 (hg19) VCF-style: chr11-118348724-C-T.
Other names: c.3476C>T, p.Ala1159Val (NM_001412597.1); c.3377C>T, p.Ala1126Val (NM_005933.4); short protein forms A1126V, A1159V.
Identifiers: ClinVar variation 2704585 (VCV002704585.3), dbSNP rs2496840720, ClinGen allele CA382824434.

ClinVar aggregate classification (germline): Uncertain significance (1 of 4 stars; one submission).

Allele frequency attached by ClinVar (database versions not stated): gnomAD exomes below 0.00001.
gnomAD v4.1: 4 of 1,614,110 alleles (0.00025%); highest among the groups gnomAD compares: Non-Finnish European, 0.00034%; no homozygotes.

Submission:

Labcorp Genetics (formerly Invitae), Labcorp
Classification: Uncertain significance. Last evaluated: 2024-02-06. Review status: criteria provided, single submitter. Criteria: Invitae Variant Classification Sherloc (09022015). Collection method: clinical testing. Allele origin: germline.
Comment: This sequence change replaces alanine, which is neutral and non-polar, with valine, which is neutral and non-polar, at codon 1126 of the KMT2A protein (p.Ala1126Val). This variant is not present in population databases (gnomAD no frequency). This variant has not been reported in the literature in individuals affected with KMT2A-related conditions. Advanced modeling of protein sequence and biophysical properties (such as structural, functional, and spatial information, amino acid conservation, physicochemical variation, residue mobility, and thermodynamic stability) has been performed at Invitae for this missense variant, however the output from this modeling did not meet the statistical confidence thresholds required to predict the impact of this variant on KMT2A protein function. In summary, the available evidence is currently insufficient to determine the role of this variant in disease. Therefore, it has been classified as a Variant of Uncertain Significance.